The following is an entry in ClinVar:

NM_021167.5(GATAD1):c.604G>A (p.Ala202Thr)

Gene: GATAD1 (GATA zinc finger domain containing 1; plus strand). Cytogenetic location: 7q21.2.
Variant type: single nucleotide variant.
Coding change: c.604G>A on transcript NM_021167.5 (MANE Select); coding-DNA position 604, G replaced by A.
Protein change: p.Ala202Thr; replaces alanine 202 with threonine.
Molecular consequence: missense variant. On other transcripts: non-coding transcript variant (1).
Genome position (GRCh38, 1-based): chr7:92,454,670, G>A. VCF-style: chr7-92454670-G-A. GRCh37 (hg19) VCF-style: chr7-92083984-G-A.
Other names: short protein forms A202T.
Identifiers: ClinVar variation 163499 (VCV000163499.18), dbSNP rs564747350, ClinGen allele CA176134.
Genomic context (GRCh38, chr7:92,454,670, plus strand): 5'-AGTGCAGCACTGACGTGGCTCATTCCTACCCTCTCTAGCCCCAGAGACCAATTTGATCCC[G>A]CCTCCTATATCATAGGTAAGTTTGACAAATGGCACAGGTTTTTTTTTAACTTAGTTAACT-3'
Protein context (NP_066990.3, residues 192-212): LSSPRDQFDP[Ala202Thr]SYIIGPEEDL

ClinVar aggregate classification (germline): Uncertain significance. Review status: criteria provided, multiple submitters, no conflicts (2 of 4 stars). 6 submissions from 6 submitters: Uncertain significance (6). Last evaluated 2025-12-01.

Conditions:
Cardiovascular phenotype. Identifiers: MedGen CN230736.
Dilated cardiomyopathy 2B. Identifiers: Orphanet 154, MedGen C3553409, MONDO:0013848, OMIM 614672.

Allele frequency attached by ClinVar (database versions not stated): TOPMed 0.00006; ExAC 0.00011; gnomAD exomes 0.00013; 1000 Genomes Project 30x 0.00031; 1000 Genomes Project 0.00040; gnomAD 0.00048.

Submissions (6):

Labcorp Genetics (formerly Invitae), Labcorp
Classification: Uncertain significance for Dilated cardiomyopathy 2B. Last evaluated: 2025-12-01. Review status: criteria provided, single submitter. Criteria: Invitae Variant Classification Sherloc (09022015). Collection method: clinical testing. Allele origin: germline.
Comment: This sequence change replaces alanine, which is neutral and non-polar, with threonine, which is neutral and polar, at codon 202 of the GATAD1 protein (p.Ala202Thr). This variant is present in population databases (rs564747350, gnomAD 0.05%). This variant has not been reported in the literature in individuals affected with GATAD1-related conditions. ClinVar contains an entry for this variant (Variation ID: 163499). Invitae Evidence Modeling of protein sequence and biophysical properties (such as structural, functional, and spatial information, amino acid conservation, physicochemical variation, residue mobility, and thermodynamic stability) indicates that this missense variant is not expected to disrupt GATAD1 protein function with a negative predictive value of 80%. In summary, the available evidence is currently insufficient to determine the role of this variant in disease. Therefore, it has been classified as a Variant of Uncertain Significance.

Ambry Genetics
Classification: Uncertain significance for Cardiovascular phenotype. Last evaluated: 2025-04-25. Review status: criteria provided, single submitter. Criteria: Ambry Variant Classification Scheme 2023. Collection method: clinical testing. Allele origin: germline.

Blueprint Genetics
Classification: Uncertain significance. Last evaluated: 2024-10-23. Review status: criteria provided, single submitter. Criteria: ACMG Guidelines, 2015. Collection method: clinical testing. Allele origin: germline.

Fulgent Genetics
Classification: Uncertain significance for Dilated cardiomyopathy 2B. Last evaluated: 2021-07-23. Review status: criteria provided, single submitter. Criteria: ACMG Guidelines, 2015. Collection method: clinical testing. Allele origin: unknown.

New York Genome Center
Classification: Uncertain significance for Dilated cardiomyopathy 2B. Last evaluated: 2020-06-19. Review status: criteria provided, single submitter. Criteria: NYGC Assertion Criteria 2020. Collection method: clinical testing. Allele origin: germline. Observed: 1 heterozygote.

Laboratory for Molecular Medicine, Mass General Brigham Personalized Medicine
Classification: Uncertain significance. Last evaluated: 2014-05-15. Review status: criteria provided, single submitter. Criteria: LMM Criteria. Collection method: clinical testing. Allele origin: germline. Observed: 1 variant allele.
Comment: The Ala202Thr variant in GATAD1 has not been previously reported in individuals with cardiomyopathy or in large population studies. Computational prediction too ls and conservation analysis do not provide strong support for or against an imp act to the protein. In summary, the clinical significance of the Ala202Thr varia nt is uncertain.